The following is an entry in ClinVar:

ClinVar aggregate classification (germline): Uncertain significance (1 of 4 stars; one submission).

Submission:

Labcorp Genetics (formerly Invitae), Labcorp
Classification: Uncertain significance. Last evaluated: 2023-03-14. Review status: criteria provided, single submitter. Criteria: Invitae Variant Classification Sherloc (09022015). Collection method: clinical testing. Allele origin: germline.
Comment: In summary, the available evidence is currently insufficient to determine the role of this variant in disease. Therefore, it has been classified as a Variant of Uncertain Significance. An algorithm developed to predict the effect of missense changes on protein structure and function (PolyPhen-2) suggests that this variant is likely to be tolerated. This variant has not been reported in the literature in individuals affected with CNOT1-related conditions. This variant is not present in population databases (gnomAD no frequency). This sequence change replaces threonine, which is neutral and polar, with asparagine, which is neutral and polar, at codon 1067 of the CNOT1 protein (p.Thr1067Asn).

NM_016284.5(CNOT1):c.3215C>A (p.Thr1072Asn)

Gene: CNOT1 (CCR4-NOT transcription complex subunit 1; minus strand). Cytogenetic location: 16q21.
Variant type: single nucleotide variant.
Coding change: c.3215C>A on transcript NM_016284.5 (MANE Select); coding-DNA position 3215, C replaced by A.
Protein change: p.Thr1072Asn; replaces threonine 1072 with asparagine.
Molecular consequence: missense variant. On other transcripts: non-coding transcript variant (1).
Genome position (GRCh38, 1-based): chr16:58,551,259, G>T on the plus strand (C>A on the coding strand, the complement: CNOT1 is on the minus strand). VCF-style: chr16-58551259-G-T. GRCh37 (hg19) VCF-style: chr16-58585163-G-T.
Other names: c.3200C>A, p.Thr1067Asn (NM_001265612.2); c.3215C>A, p.Thr1072Asn (NM_206999.3); short protein forms T1072N, T1067N.
Identifiers: ClinVar variation 2881843 (VCV002881843.3), dbSNP rs2543934147, ClinGen allele CA396172603.